The following is an entry in ClinVar:

ClinVar aggregate classification (germline): Likely benign. Review status: criteria provided, multiple submitters, no conflicts (2 of 4 stars). 2 submissions from 2 submitters: Likely benign (2). Last evaluated 2026-02-01.

Allele frequency attached by ClinVar (database versions not stated): gnomAD exomes 0.00001 and 0.00002; TOPMed 0.00001.
gnomAD v4.1: 9 of 1,613,912 alleles (0.00056%); highest among the groups gnomAD compares: Admixed American, 0.01%; no homozygotes.

Submissions (2):

CeGaT Center for Human Genetics Tuebingen
Classification: Likely benign. Last evaluated: 2026-02-01. Review status: criteria provided, single submitter. Criteria: CeGaT Center For Human Genetics Tuebingen Variant Classification Criteria Version 2. Collection method: clinical testing. Allele origin: germline. Affected: yes. Observed: 1 variant allele.
Comment: ANK3: BP4, BP7

Labcorp Genetics (formerly Invitae), Labcorp
Classification: Likely benign. Last evaluated: 2024-12-02. Review status: criteria provided, single submitter. Criteria: Invitae Variant Classification Sherloc (09022015). Collection method: clinical testing. Allele origin: germline.

NM_020987.5(ANK3):c.7725T>C (p.Asp2575=)

Gene: ANK3 (ankyrin 3; minus strand). Cytogenetic location: 10q21.2.
Variant type: single nucleotide variant.
Coding change: c.7725T>C on transcript NM_020987.5 (MANE Select); coding-DNA position 7725, T replaced by C.
Protein change: p.Asp2575=; no amino-acid change (aspartic acid 2575 retained).
Molecular consequence: synonymous variant. On other transcripts: intron variant (4).
Genome position (GRCh38, 1-based): chr10:60,073,156, A>G on the plus strand (T>C on the coding strand, the complement: ANK3 is on the minus strand). VCF-style: chr10-60073156-A-G. GRCh37 (hg19) VCF-style: chr10-61832914-A-G.
Other names: c.4388-5147T>C (NM_001204403.2); c.4409-5147T>C (NM_001204404.2); c.4406-5147T>C (NM_001320874.2); c.1808-5147T>C (NM_001149.4).
Identifiers: ClinVar variation 759458 (VCV000759458.11), dbSNP rs937579994, ClinGen allele CA207325588.